The following is an entry in ClinVar:

ClinVar aggregate classification (germline): Uncertain significance (1 of 4 stars; one submission).

Submission:

GeneDx
Classification: Uncertain significance. Last evaluated: 2024-02-13. Review status: criteria provided, single submitter. Criteria: GeneDx Variant Classification Process June 2021. Collection method: clinical testing. Allele origin: germline. Affected: yes.
Comment: Has not been previously published as pathogenic or benign to our knowledge; In silico analysis supports that this missense variant has a deleterious effect on protein structure/function; Not observed at significant frequency in large population cohorts (gnomAD)

NM_173495.3(PTCHD1):c.2231T>C (p.Leu744Ser)

Gene: PTCHD1 (patched domain containing 1; plus strand). Cytogenetic location: Xp22.11.
Variant type: single nucleotide variant.
Coding change: c.2231T>C on transcript NM_173495.3 (MANE Select); coding-DNA position 2231, T replaced by C.
Protein change: p.Leu744Ser; replaces leucine 744 with serine.
Molecular consequence: missense variant.
Genome position (GRCh38, 1-based): chrX:23,393,749, T>C. VCF-style: chrX-23393749-T-C. GRCh37 (hg19) VCF-style: chrX-23411866-T-C.
Other names: short protein forms L744S.
Identifiers: ClinVar variation 1313353 (VCV001313353.3), dbSNP rs2146652865, ClinGen allele CA412587680.